The following is an entry in ClinVar:

ClinVar aggregate classification (germline): Pathogenic (1 of 4 stars; one submission).

Allele frequency attached by ClinVar (database versions not stated): gnomAD 0.00001; gnomAD exomes 0.00001.
gnomAD v4.1: 13 of 1,613,944 alleles (0.00081%); highest among the groups gnomAD compares: Admixed American, 0.0033%; no homozygotes.

Submission:

Labcorp Genetics (formerly Invitae), Labcorp
Classification: Pathogenic. Last evaluated: 2025-08-11. Review status: criteria provided, single submitter. Criteria: Invitae Variant Classification Sherloc (09022015). Collection method: clinical testing. Allele origin: germline.
Comment: This sequence change creates a premature translational stop signal (p.Arg744*) in the SORL1 gene. It is expected to result in an absent or disrupted protein product. Loss-of-function variants in SORL1 are known to be pathogenic (PMID: 26303663, 27026413). This variant is present in population databases (no rsID available, gnomAD 0.007%). This premature translational stop signal has been observed in individual(s) with Alzheimer disease (PMID: 28537274, 30009200). ClinVar contains an entry for this variant (Variation ID: 2137276). For these reasons, this variant has been classified as Pathogenic.

Literature cited by the submitters: PubMed 26303663; PubMed 27026413; PubMed 28537274; PubMed 30009200.

NM_003105.6(SORL1):c.2230C>T (p.Arg744Ter)

Gene: SORL1 (sortilin related receptor 1; plus strand). Cytogenetic location: 11q24.1.
Variant type: single nucleotide variant.
Coding change: c.2230C>T on transcript NM_003105.6 (MANE Select); coding-DNA position 2230, C replaced by T.
Protein change: p.Arg744Ter; replaces arginine 744 with a stop codon.
Molecular consequence: nonsense.
Genome position (GRCh38, 1-based): chr11:121,550,634, C>T. VCF-style: chr11-121550634-C-T. GRCh37 (hg19) VCF-style: chr11-121421343-C-T.
Other names: short protein forms R744*.
Identifiers: ClinVar variation 2137276 (VCV002137276.4), dbSNP rs1050845490, ClinGen allele CA229894788.
Genomic context (GRCh38, chr11:121,550,634, plus strand): 5'-TGGGGTGACAGCTACCGGAAGATTTCTGGGGACACTTGTAGCGGAGGAGATGTTGAAGCG[C>T]GACTGGAAGGAGAGCTGGTCCCCTGTCCCCTGGCAGGTAAGAGAGGTGGTTTCTTCCCTT-3'